The following is an entry in ClinVar:

NM_014639.4(SKIC3):c.91-5A>G

Gene: SKIC3 (SKI3 subunit of superkiller complex; minus strand). Cytogenetic location: 5q15.
Variant type: single nucleotide variant.
Coding change: c.91-5A>G on transcript NM_014639.4 (MANE Select); 5 bases into the intron before coding-DNA position 91, A replaced by G.
Molecular consequence: intron variant.
Genome position (GRCh38, 1-based): chr5:95,543,332, T>C on the plus strand (A>G on the coding strand, the complement: SKIC3 is on the minus strand). VCF-style: chr5-95543332-T-C. GRCh37 (hg19) VCF-style: chr5-94879036-T-C.
Identifiers: ClinVar variation 2429431 (VCV002429431.3), dbSNP rs62365057, ClinGen allele CA2580073814.

ClinVar aggregate classification (germline): Uncertain significance (1 of 4 stars; one submission).

Submission:

Illumina Laboratory Services, Illumina
Classification: Uncertain significance. Last evaluated: 2022-12-21. Review status: criteria provided, single submitter. Criteria: ICSL CNVClassificationCriteria Aug2020. Collection method: clinical testing. Allele origin: unknown. Affected: yes.
Comment: The SKIC3 c.91-5A>G variant occurs in a splice region and results in the substitution of a adenine at nucleotide position c.91-5 with a guanine. To our knowledge, this variant has not been reported in the peer-reviewed literature. This variant is not found in version 2.1.1 or version 3.1.2 of the Genome Aggregation Database. Based on the available evidence, the c.91-5A>G variant is classified as a variant of uncertain significance.